The following is an entry in ClinVar:

ClinVar aggregate classification (germline): Pathogenic. Review status: criteria provided, multiple submitters, no conflicts (2 of 4 stars). 2 submissions from 2 submitters: Pathogenic (2). Last evaluated 2022-10-25.

Conditions:
CHM-related disorders.

Submissions (3):

Labcorp Genetics (formerly Invitae), Labcorp
Classification: Pathogenic. Last evaluated: 2022-10-25. Review status: criteria provided, single submitter. Criteria: Invitae Variant Classification Sherloc (09022015). Collection method: clinical testing. Allele origin: germline.
Comment: Disruption of this splice site has been observed in individuals with choroideremia (PMID: 27070432). This sequence change affects an acceptor splice site in intron 8 of the CHM gene. It is expected to disrupt RNA splicing. Variants that disrupt the donor or acceptor splice site typically lead to a loss of protein function (PMID: 16199547), and loss-of-function variants in CHM are known to be pathogenic (PMID: 9067750, 23811034). This variant is not present in population databases (gnomAD no frequency). ClinVar contains an entry for this variant (Variation ID: 1390732). Algorithms developed to predict the effect of sequence changes on RNA splicing suggest that this variant may disrupt the consensus splice site. For these reasons, this variant has been classified as Pathogenic.

Blueprint Genetics
Classification: Pathogenic for CHM-related disorders. Last evaluated: 2021-11-04. Review status: criteria provided, single submitter. Criteria: ACMG Guidelines, 2015. Collection method: clinical testing. Allele origin: germline. Affected: yes. Observed: 1 variant allele.

Dr. Peter K. Rogan Lab, Western University
No classification provided (evidence only). Condition: Nonpapillary renal cell carcinoma. Review status: no classification provided. Collection method: in vitro. Allele origin: not applicable. Functional consequence: retained intron. Not counted in ClinVar's aggregate classification.

Literature cited by the submitters: PubMed 27070432 (cited by Labcorp Genetics (formerly Invitae), Labcorp); PubMed 16199547 (cited by Labcorp Genetics (formerly Invitae), Labcorp); PubMed 9067750 (cited by Labcorp Genetics (formerly Invitae), Labcorp); PubMed 23811034 (cited by Labcorp Genetics (formerly Invitae), Labcorp).

NM_000390.4(CHM):c.1167-2A>G

Gene: CHM (CHM Rab escort protein; minus strand). Cytogenetic location: Xq21.2.
Variant type: single nucleotide variant.
Coding change: c.1167-2A>G on transcript NM_000390.4 (MANE Select); the canonical splice acceptor site of the intron before coding-DNA position 1167, A replaced by G.
Molecular consequence: splice acceptor variant.
Genome position (GRCh38, 1-based): chrX:85,911,340, T>C on the plus strand (A>G on the coding strand, the complement: CHM is on the minus strand). VCF-style: chrX-85911340-T-C. GRCh37 (hg19) VCF-style: chrX-85166345-T-C.
Other names: c.723-2A>G (NM_001362519.1, NM_001362517.1, NM_001320959.1 and 1 more transcripts).
Identifiers: ClinVar variation 1390732 (VCV001390732.10), dbSNP rs2148169033, ClinGen allele CA413790407.